The following is an entry in ClinVar:

NM_001042750.2(STAG2):c.125C>G (p.Thr42Ser)

Gene: STAG2 (STAG2 cohesin complex component; plus strand). Cytogenetic location: Xq25.
Variant type: single nucleotide variant.
Coding change: c.125C>G on transcript NM_001042750.2 (MANE Select); coding-DNA position 125, C replaced by G.
Protein change: p.Thr42Ser; replaces threonine 42 with serine.
Molecular consequence: missense variant.
Genome position (GRCh38, 1-based): chrX:124,030,962, C>G. VCF-style: chrX-124030962-C-G. GRCh37 (hg19) VCF-style: chrX-123164812-C-G.
Other names: c.125C>G, p.Thr42Ser (NM_001042749.2, NM_001042751.2, NM_001282418.2 and 13 more transcripts); short protein forms T42S.
Identifiers: ClinVar variation 3724829 (VCV003724829.2).
Genomic context (GRCh38, chrX:124,030,962, plus strand): 5'-TGTGTTTTGAACTCTCAAGGATAGTGATATAACTTAACCACCTCGTATTTTTTATGCAGA[C>G]TTGTAAAAAAGGCAAAAAGGGCCCAGCAGAAAAGGGCAAAGGTGGAAATGGAGGAGGAAA-3'
Protein context (NP_001036215.1, residues 32-52): GKNQKQGKGK[Thr42Ser]CKKGKKGPAE

ClinVar aggregate classification (germline): Uncertain significance (1 of 4 stars; one submission).

Submission:

Labcorp Genetics (formerly Invitae), Labcorp
Classification: Uncertain significance. Last evaluated: 2024-11-07. Review status: criteria provided, single submitter. Criteria: Invitae Variant Classification Sherloc (09022015). Collection method: clinical testing. Allele origin: germline.
Comment: This sequence change replaces threonine, which is neutral and polar, with serine, which is neutral and polar, at codon 42 of the STAG2 protein (p.Thr42Ser). This variant is not present in population databases (gnomAD no frequency). This variant has not been reported in the literature in individuals affected with STAG2-related conditions. An algorithm developed to predict the effect of missense changes on protein structure and function (PolyPhen-2) suggests that this variant is likely to be tolerated. In summary, the available evidence is currently insufficient to determine the role of this variant in disease. Therefore, it has been classified as a Variant of Uncertain Significance.